The following is an entry in ClinVar:

NM_002907.4(RECQL):c.1181C>T (p.Ser394Phe)

Gene: RECQL (RecQ like helicase; minus strand). Cytogenetic location: 12p12.1.
Variant type: single nucleotide variant.
Coding change: c.1181C>T on transcript NM_002907.4 (MANE Select); coding-DNA position 1181, C replaced by T.
Protein change: p.Ser394Phe; replaces serine 394 with phenylalanine.
Molecular consequence: missense variant.
Genome position (GRCh38, 1-based): chr12:21,475,503, G>A on the plus strand (C>T on the coding strand, the complement: RECQL is on the minus strand). VCF-style: chr12-21475503-G-A. GRCh37 (hg19) VCF-style: chr12-21628437-G-A.
Other names: c.1181C>T, p.Ser394Phe (NM_032941.3); short protein forms S394F.
Identifiers: ClinVar variation 1021276 (VCV001021276.12), dbSNP rs775276234, ClinGen allele CA6478836.

ClinVar aggregate classification (germline): Uncertain significance. Review status: criteria provided, multiple submitters, no conflicts (2 of 4 stars). 2 submissions from 2 submitters: Uncertain significance (2). Last evaluated 2024-04-01.

Allele frequency attached by ClinVar (database versions not stated): ExAC 0.00001.

Submissions (2):

Ambry Genetics
Classification: Uncertain significance. Last evaluated: 2024-04-01. Review status: criteria provided, single submitter. Criteria: Ambry Variant Classification Scheme 2023. Collection method: clinical testing. Allele origin: germline.
Comment: The p.S394F variant (also known as c.1181C>T), located in coding exon 9 of the RECQL gene, results from a C to T substitution at nucleotide position 1181. The serine at codon 394 is replaced by phenylalanine, an amino acid with highly dissimilar properties. This amino acid position is highly conserved in available vertebrate species. In addition, this alteration is predicted to be deleterious by in silico analysis. Since supporting evidence is limited at this time, the clinical significance of this alteration remains unclear.

Labcorp Genetics (formerly Invitae), Labcorp
Classification: Uncertain significance. Last evaluated: 2020-07-29. Review status: criteria provided, single submitter. Criteria: Invitae Variant Classification Sherloc (09022015). Collection method: clinical testing. Allele origin: germline.
Comment: This sequence change replaces serine with phenylalanine at codon 394 of the RECQL protein (p.Ser394Phe). The serine residue is highly conserved and there is a large physicochemical difference between serine and phenylalanine. Algorithms developed to predict the effect of missense changes on protein structure and function (SIFT, PolyPhen-2, Align-GVGD) all suggest that this variant is likely to be disruptive, but these predictions have not been confirmed by published functional studies and their clinical significance is uncertain. This variant has not been reported in the literature in individuals with RECQL-related conditions. This variant is present in population databases (rs775276234, ExAC 0.009%). In summary, the available evidence is currently insufficient to determine the role of this variant in disease. Therefore, it has been classified as a Variant of Uncertain Significance.